The following is an entry in ClinVar:

NM_182914.3(SYNE2):c.19160C>T (p.Pro6387Leu)

Gene: SYNE2 (spectrin repeat containing nuclear envelope protein 2; plus strand). Cytogenetic location: 14q23.2.
Variant type: single nucleotide variant.
Coding change: c.19160C>T on transcript NM_182914.3 (MANE Select); coding-DNA position 19160, C replaced by T.
Protein change: p.Pro6387Leu; replaces proline 6387 with leucine.
Molecular consequence: missense variant.
Genome position (GRCh38, 1-based): chr14:64,214,297, C>T. VCF-style: chr14-64214297-C-T. GRCh37 (hg19) VCF-style: chr14-64681015-C-T.
Other names: c.19160C>T, p.Pro6387Leu (NM_015180.6); c.62C>T, p.Pro21Leu (NM_182913.4); short protein forms P21L, P6387L.
Identifiers: ClinVar variation 969488 (VCV000969488.11), dbSNP rs756722459, ClinGen allele CA7224335.

ClinVar aggregate classification (germline): Uncertain significance. Review status: criteria provided, multiple submitters, no conflicts (2 of 4 stars). 2 submissions from 2 submitters: Uncertain significance (2). Last evaluated 2025-11-19.

Conditions:
Emery-Dreifuss muscular dystrophy 5, autosomal dominant (EDMD5). Also called: EMERY-DREIFUSS MUSCULAR DYSTROPHY 5. Identifiers: Orphanet 261, MedGen C2751805, MONDO:0013072, OMIM 612999.

Allele frequency attached by ClinVar (database versions not stated): gnomAD 0.00001; ExAC 0.00002; gnomAD exomes 0.00002 and 0.00005; TOPMed 0.00005.
gnomAD v4.1: 32 of 1,613,952 alleles (0.002%); highest among the groups gnomAD compares: Admixed American, 0.035%; no homozygotes.

Submissions (2):

Labcorp Genetics (formerly Invitae), Labcorp
Classification: Uncertain significance for Emery-Dreifuss muscular dystrophy 5, autosomal dominant. Last evaluated: 2025-11-19. Review status: criteria provided, single submitter. Criteria: Invitae Variant Classification Sherloc (09022015). Collection method: clinical testing. Allele origin: germline.
Comment: This sequence change replaces proline, which is neutral and non-polar, with leucine, which is neutral and non-polar, at codon 6387 of the SYNE2 protein (p.Pro6387Leu). This variant is present in population databases (rs756722459, gnomAD 0.03%), and has an allele count higher than expected for a pathogenic variant. This variant has not been reported in the literature in individuals affected with SYNE2-related conditions. ClinVar contains an entry for this variant (Variation ID: 969488). An algorithm developed to predict the effect of missense changes on protein structure and function (PolyPhen-2) suggests that this variant is likely to be disruptive. In summary, the available evidence is currently insufficient to determine the role of this variant in disease. Therefore, it has been classified as a Variant of Uncertain Significance.

Revvity Omics, Revvity
Classification: Uncertain significance for Emery-Dreifuss muscular dystrophy 5, autosomal dominant. Last evaluated: 2024-05-31. Review status: criteria provided, single submitter. Criteria: ACMG Guidelines, 2015. Collection method: clinical testing. Allele origin: germline.